The following is an entry in ClinVar:

NM_016058.5(TPRKB):c.327C>T (p.Tyr109=)

Gene: TPRKB (TP53RK binding protein; minus strand). Cytogenetic location: 2p13.1.
Variant type: single nucleotide variant.
Coding change: c.327C>T on transcript NM_016058.5 (MANE Select); coding-DNA position 327, C replaced by T.
Protein change: p.Tyr109=; no amino-acid change (tyrosine 109 retained).
Molecular consequence: synonymous variant.
Genome position (GRCh38, 1-based): chr2:73,730,674, G>A on the plus strand (C>T on the coding strand, the complement: TPRKB is on the minus strand). VCF-style: chr2-73730674-G-A. GRCh37 (hg19) VCF-style: chr2-73957801-G-A.
Other names: c.444C>T, p.Tyr148= (NM_001330386.2, NM_001330387.2); c.327C>T, p.Tyr109= (NM_001330388.2, NM_001330389.2); c.273C>T, p.Tyr91= (NM_001330390.2); c.228C>T, p.Tyr76= (NM_001330391.2, NM_001330392.2).
Identifiers: ClinVar variation 3046296 (VCV003046296.2), dbSNP rs149388000, ClinGen allele CA1716394.

ClinVar aggregate classification (germline): Likely benign (0 of 4 stars; one submission).

Conditions:
TPRKB-related disorder. Also called: TPRKB-related condition.

Allele frequency attached by ClinVar (database versions not stated): ExAC 0.00008; TOPMed 0.00008; gnomAD 0.00009; gnomAD exomes 0.00014; ESP Exome Variant Server 0.00015.
gnomAD v4.1: 212 of 1,574,390 alleles (0.013%); highest among the groups gnomAD compares: Non-Finnish European, 0.017%; no homozygotes.

Submission:

PreventionGenetics, part of Exact Sciences
Classification: Likely benign for TPRKB-related condition. Last evaluated: 2020-03-14. Review status: no assertion criteria provided. Collection method: clinical testing. Allele origin: germline.
Comment: This variant is classified as likely benign based on ACMG/AMP sequence variant interpretation guidelines (Richards et al. 2015 PMID: 25741868, with internal and published modifications).